The following is an entry in ClinVar:

ClinVar aggregate classification (germline): Uncertain significance (1 of 4 stars; one submission).

Conditions:
Jeune thoracic dystrophy. Also called: Short-rib thoracic dysplasia; Jeune syndrome; Infantile thoracic dystrophy; Thoracic pelvic phalangeal dystrophy; Jeune's syndrome; Chondroectodermal dysplasia-like syndrome. Identifiers: Orphanet 474, MedGen C0265275, MONDO:0018770.

Submission:

Labcorp Genetics (formerly Invitae), Labcorp
Classification: Uncertain significance for Jeune thoracic dystrophy. Last evaluated: 2021-01-12. Review status: criteria provided, single submitter. Criteria: Invitae Variant Classification Sherloc (09022015). Collection method: clinical testing. Allele origin: germline.
Comment: This sequence change replaces glutamic acid with alanine at codon 229 of the IFT80 protein (p.Glu229Ala). The glutamic acid residue is moderately conserved and there is a moderate physicochemical difference between glutamic acid and alanine. This variant is not present in population databases (ExAC no frequency). This variant has not been reported in the literature in individuals with IFT80-related conditions. Algorithms developed to predict the effect of missense changes on protein structure and function (SIFT, PolyPhen-2, Align-GVGD) all suggest that this variant is likely to be disruptive, but these predictions have not been confirmed by published functional studies and their clinical significance is uncertain. In summary, the available evidence is currently insufficient to determine the role of this variant in disease. Therefore, it has been classified as a Variant of Uncertain Significance.

NM_020800.3(IFT80):c.686A>C (p.Glu229Ala)

Genes: IFT80 (intraflagellar transport 80; minus strand), TRIM59-IFT80 (TRIM59-IFT80 readthrough (NMD candidate); minus strand). Cytogenetic location: 3q25.33.
Variant type: single nucleotide variant.
Coding change: c.686A>C on transcript NM_020800.3 (MANE Select); coding-DNA position 686, A replaced by C.
Protein change: p.Glu229Ala; replaces glutamic acid 229 with alanine.
Molecular consequence: missense variant. On other transcripts: non-coding transcript variant (3).
Genome position (GRCh38, 1-based): chr3:160,356,104, T>G on the plus strand (A>C on the coding strand, the complement: IFT80 is on the minus strand). VCF-style: chr3-160356104-T-G. GRCh37 (hg19) VCF-style: chr3-160073892-T-G.
Other names: c.275A>C, p.Glu92Ala (NM_001190241.2, NM_001190242.2); short protein forms E92A, E229A.
Identifiers: ClinVar variation 1040058 (VCV001040058.8), dbSNP rs1305518301, ClinGen allele CA355192859.